The following is an entry in ClinVar:

ClinVar aggregate classification (germline): Pathogenic. Review status: criteria provided, single submitter (1 of 4 stars). 2 submissions from 2 submitters: Pathogenic (1). 1 of the submissions does not count toward it. Last evaluated 2022-07-19.

Conditions:
Fanconi anemia complementation group G. Also called: FANCG-Related Fanconi Anemia; Fanconi anemia group G. Identifiers: Orphanet 84, MedGen C3469527, MONDO:0013565, OMIM 614082.
Fanconi anemia (FA). Also called: Fanconi's anemia. Identifiers: Orphanet 84, MedGen C0015625, MeSH D005199, MONDO:0019391.

Submissions (2):

Labcorp Genetics (formerly Invitae), Labcorp
Classification: Pathogenic for Fanconi anemia. Last evaluated: 2022-07-19. Review status: criteria provided, single submitter. Criteria: Invitae Variant Classification Sherloc (09022015). Collection method: clinical testing. Allele origin: germline.
Comment: For these reasons, this variant has been classified as Pathogenic. Algorithms developed to predict the effect of sequence changes on RNA splicing suggest that this variant may disrupt the consensus splice site. ClinVar contains an entry for this variant (Variation ID: 929683). This premature translational stop signal has been observed in individual(s) with Fanconi anemia (PMID: 12552564). This variant is not present in population databases (gnomAD no frequency). This sequence change creates a premature translational stop signal (p.Glu189*) in the FANCG gene. It is expected to result in an absent or disrupted protein product. Loss-of-function variants in FANCG are known to be pathogenic (PMID: 12552564).

Leiden Open Variation Database
Classification: Pathogenic for Fanconi anemia complementation group G. Last evaluated: 2011-02-07. Review status: no assertion criteria provided. Collection method: curation. Allele origin: germline. Affected: yes. Not counted in ClinVar's aggregate classification.
Comment: Curator: Arleen D. Auerbach. Submitter to LOVD: Arleen D. Auerbach.

Literature cited by the submitters: PubMed 12552564 (cited by Labcorp Genetics (formerly Invitae), Labcorp and Leiden Open Variation Database).

NM_004629.2(FANCG):c.565G>T (p.Glu189Ter)

Gene: FANCG (FA complementation group G; minus strand). Cytogenetic location: 9p13.3.
Variant type: single nucleotide variant.
Coding change: c.565G>T on transcript NM_004629.2 (MANE Select); coding-DNA position 565, G replaced by T.
Protein change: p.Glu189Ter; replaces glutamic acid 189 with a stop codon.
Molecular consequence: nonsense.
Genome position (GRCh38, 1-based): chr9:35,077,345, C>A on the plus strand (G>T on the coding strand, the complement: FANCG is on the minus strand). VCF-style: chr9-35077345-C-A. GRCh37 (hg19) VCF-style: chr9-35077342-C-A.
Other names: short protein forms E189*.
Identifiers: ClinVar variation 929683 (VCV000929683.5), dbSNP rs1829104194, ClinGen allele CA373314130.